The following is an entry in ClinVar:

NC_000001.10:g.(?_12058807)_(12059172_?)dup

Gene: MFN2 (mitofusin 2; plus strand). Cytogenetic location: 1p36.22.
Variant type: Duplication.
Identifiers: ClinVar variation 1519508 (VCV001519508.5).

ClinVar aggregate classification (germline): Likely pathogenic (1 of 4 stars; one submission).

Conditions:
Charcot-Marie-Tooth disease type 2. Also called: Charcot-Marie-Tooth type 2. Identifiers: Orphanet 64746, MedGen C0270914, MONDO:0018993.

Submission:

Labcorp Genetics (formerly Invitae), Labcorp
Classification: Likely pathogenic for Charcot-Marie-Tooth disease type 2. Last evaluated: 2023-06-30. Review status: criteria provided, single submitter. Criteria: Invitae Variant Classification Sherloc (09022015). Collection method: clinical testing. Allele origin: germline.
Comment: In summary, the currently available evidence indicates that the variant is pathogenic, but additional data are needed to prove that conclusively. Therefore, this variant has been classified as Likely Pathogenic. This variant has not been reported in the literature in individuals affected with MFN2-related conditions. This variant results in a copy number gain of the genomic region encompassing exon(s) 7-8 of the MFN2 gene. While the exact position of this variant cannot be determined from the data, sub-genic copy number gains are generally in tandem (PMID: 25640679). This variant is predicted to be out-of-frame, and may result in an absent or disrupted protein product. Loss-of-function variants in MFN2 are known to be pathogenic (PMID: 16714318, 16835246, 21715711, 23781337, 26955893).

Literature cited by the submitters: PubMed 25640679; PubMed 16714318; PubMed 16835246; PubMed 21715711; PubMed 23781337; PubMed 26955893.